The following is an entry in ClinVar:

NM_002661.5(PLCG2):c.652C>A (p.Leu218Ile)

Gene: PLCG2 (phospholipase C gamma 2; plus strand). Cytogenetic location: 16q23.3.
Variant type: single nucleotide variant.
Coding change: c.652C>A on transcript NM_002661.5 (MANE Select); coding-DNA position 652, C replaced by A.
Protein change: p.Leu218Ile; replaces leucine 218 with isoleucine.
Molecular consequence: missense variant.
Genome position (GRCh38, 1-based): chr16:81,880,913, C>A. VCF-style: chr16-81880913-C-A. GRCh37 (hg19) VCF-style: chr16-81914518-C-A.
Other names: short protein forms L218I.
Identifiers: ClinVar variation 618831 (VCV000618831.14), dbSNP rs551539187, ClinGen allele CA8193341.

ClinVar aggregate classification (germline): Uncertain significance. Review status: criteria provided, multiple submitters, no conflicts (2 of 4 stars). 3 submissions from 3 submitters: Uncertain significance (2). 1 of the submissions does not count toward it. Last evaluated 2023-12-13.

Conditions:
PLCG2-related disorder. Also called: PLCG2-related condition.
Familial cold autoinflammatory syndrome 3 (FCAS3). Also called: FAMILIAL ATYPICAL COLD URTICARIA; ANTIBODY DEFICIENCY AND IMMUNE DYSREGULATION, PLCG2-ASSOCIATED. Identifiers: Orphanet 300359, MedGen C3280914, MONDO:0013766, OMIM 614468.

Allele frequency attached by ClinVar (database versions not stated): gnomAD 0.00001; ExAC 0.00002; gnomAD exomes 0.00002; 1000 Genomes Project 30x 0.00016; 1000 Genomes Project 0.00020.
gnomAD v4.1: 36 of 1,613,998 alleles (0.0022%); highest among the groups gnomAD compares: Admixed American, 0.0033%; no homozygotes.

Submissions (3):

Labcorp Genetics (formerly Invitae), Labcorp
Classification: Uncertain significance for Familial cold autoinflammatory syndrome 3. Last evaluated: 2023-12-13. Review status: criteria provided, single submitter. Criteria: Invitae Variant Classification Sherloc (09022015). Collection method: clinical testing. Allele origin: germline.
Comment: This sequence change replaces leucine, which is neutral and non-polar, with isoleucine, which is neutral and non-polar, at codon 218 of the PLCG2 protein (p.Leu218Ile). This variant is present in population databases (rs551539187, gnomAD 0.006%). This variant has not been reported in the literature in individuals affected with PLCG2-related conditions. ClinVar contains an entry for this variant (Variation ID: 618831). An algorithm developed to predict the effect of missense changes on protein structure and function (PolyPhen-2) suggests that this variant is likely to be tolerated. In summary, the available evidence is currently insufficient to determine the role of this variant in disease. Therefore, it has been classified as a Variant of Uncertain Significance.

ARUP Laboratories, Molecular Genetics and Genomics, ARUP Laboratories
Classification: Uncertain significance. Last evaluated: 2017-08-25. Review status: criteria provided, single submitter. Criteria: ARUP Molecular Germline Variant Investigation Process. Collection method: clinical testing. Allele origin: germline.
Comment: The c.652C>A; p.Leu218Ile variant (rs551539187) has not been reported in the medical literature, gene specific variation databases, nor has it been previously identified by our laboratory. This variant is listed in the Genome Aggregation Database (gnomAD) with an overall population frequency of 0.002 percent (identified on 5 out of 246,172 chromosomes). The leucine at position 218 is moderately conserved considering 13 species and computational analyses of the effects of the p.Leu218Ile variant on protein structure and function provide conflicting results (SIFT: tolerated, MutationTaster: disease causing, PolyPhen-2: benign). Altogether, there is not enough evidence to classify the p.Leu218Ile variant with certainty.

PreventionGenetics, part of Exact Sciences
Classification: Uncertain significance for PLCG2-related condition. Last evaluated: 2024-09-07. Review status: no assertion criteria provided. Collection method: clinical testing. Allele origin: germline. Not counted in ClinVar's aggregate classification.
Comment: The PLCG2 c.652C>A variant is predicted to result in the amino acid substitution p.Leu218Ile. To our knowledge, this variant has not been reported in the literature. This variant is reported in 0.0058% of alleles in individuals of Latino descent in gnomAD. At this time, the clinical significance of this variant is uncertain due to the absence of conclusive functional and genetic evidence.